The following is an entry in ClinVar:

ClinVar aggregate classification (germline): Uncertain significance (1 of 4 stars; one submission).

Conditions:
Brugada syndrome 8 (BRGDA8). Identifiers: Orphanet 130, MedGen C2751083, MONDO:0013148, OMIM 613123.

Submission:

Labcorp Genetics (formerly Invitae), Labcorp
Classification: Uncertain significance for Brugada syndrome 8. Last evaluated: 2020-04-07. Review status: criteria provided, single submitter. Criteria: Invitae Variant Classification Sherloc (09022015). Collection method: clinical testing. Allele origin: germline.
Comment: In summary, the available evidence is currently insufficient to determine the role of this variant in disease. Therefore, it has been classified as a Variant of Uncertain Significance. This variant has not been reported in the literature in individuals with HCN4-related conditions. This variant is not present in population databases (ExAC no frequency). This sequence change replaces asparagine with aspartic acid at codon 688 of the HCN4 protein (p.Asn688Asp). The asparagine residue is highly conserved and there is a small physicochemical difference between asparagine and aspartic acid.

NM_005477.3(HCN4):c.2062A>G (p.Asn688Asp)

Gene: HCN4 (hyperpolarization activated cyclic nucleotide gated potassium channel 4; minus strand). Cytogenetic location: 15q24.1.
Variant type: single nucleotide variant.
Coding change: c.2062A>G on transcript NM_005477.3 (MANE Select); coding-DNA position 2062, A replaced by G.
Protein change: p.Asn688Asp; replaces asparagine 688 with aspartic acid.
Molecular consequence: missense variant.
Genome position (GRCh38, 1-based): chr15:73,324,170, T>C on the plus strand (A>G on the coding strand, the complement: HCN4 is on the minus strand). VCF-style: chr15-73324170-T-C. GRCh37 (hg19) VCF-style: chr15-73616511-T-C.
Other names: short protein forms N688D.
Identifiers: ClinVar variation 1061767 (VCV001061767.9), dbSNP rs2151215055, ClinGen allele CA393090141.
Genomic context (GRCh38, chr15:73,324,170, plus strand): 5'-GCGCCACGGTCTCGAAGGCCCTTCGCATCATGGGGTACTCCTCCAGCACCTCATTGAAGT[T>C]GTCCACGCTCAGCGAGTAGAGGCGGCAGTAGGTGTCGGCCCTCACGCTGGCTGTGCGCCG-3'
Protein context (NP_005468.1, residues 678-698): YCRLYSLSVD[Asn688Asp]FNEVLEEYPM